The following is an entry in ClinVar:

NM_007050.6(PTPRT):c.1401C>T (p.Pro467=)

Gene: PTPRT (protein tyrosine phosphatase receptor type T; minus strand). Cytogenetic location: 20q12.
Variant type: single nucleotide variant.
Coding change: c.1401C>T on transcript NM_007050.6 (MANE Select); coding-DNA position 1401, C replaced by T.
Protein change: p.Pro467=; no amino-acid change (proline 467 retained).
Molecular consequence: synonymous variant.
Genome position (GRCh38, 1-based): chr20:42,472,315, G>A on the plus strand (C>T on the coding strand, the complement: PTPRT is on the minus strand). VCF-style: chr20-42472315-G-A. GRCh37 (hg19) VCF-style: chr20-41100955-G-A.
Other names: c.1401C>T, p.Pro467= (NM_001394024.1, NM_001394025.1, NM_001394026.1 and 1 more transcripts).
Identifiers: ClinVar variation 3034512 (VCV003034512.2), dbSNP rs375501287, ClinGen allele CA9864582.

ClinVar aggregate classification (germline): Likely benign (0 of 4 stars; one submission).

Conditions:
PTPRT-related disorder. Also called: PTPRT-related condition.

Allele frequency attached by ClinVar (database versions not stated): ESP Exome Variant Server 0.00008; ExAC 0.00015; gnomAD 0.00015; TOPMed 0.00021.
gnomAD v4.1: 158 of 1,614,066 alleles (0.0098%); highest among the groups gnomAD compares: South Asian, 0.066%; no homozygotes.

Submission:

PreventionGenetics, part of Exact Sciences
Classification: Likely benign for PTPRT-related condition. Last evaluated: 2019-08-12. Review status: no assertion criteria provided. Collection method: clinical testing. Allele origin: germline.
Comment: This variant is classified as likely benign based on ACMG/AMP sequence variant interpretation guidelines (Richards et al. 2015 PMID: 25741868, with internal and published modifications).